The following is an entry in ClinVar:

NM_017617.5(NOTCH1):c.3160C>A (p.Pro1054Thr)

Gene: NOTCH1 (notch receptor 1; minus strand). Cytogenetic location: 9q34.3.
Variant type: single nucleotide variant.
Coding change: c.3160C>A on transcript NM_017617.5 (MANE Select); coding-DNA position 3160, C replaced by A.
Protein change: p.Pro1054Thr; replaces proline 1054 with threonine.
Molecular consequence: missense variant.
Genome position (GRCh38, 1-based): chr9:136,508,881, G>T on the plus strand (C>A on the coding strand, the complement: NOTCH1 is on the minus strand). VCF-style: chr9-136508881-G-T. GRCh37 (hg19) VCF-style: chr9-139403333-G-T.
Other names: short protein forms P1054T.
Identifiers: ClinVar variation 1300525 (VCV001300525.8), dbSNP rs1018501056, ClinGen allele CA201581125.

ClinVar aggregate classification (germline): Conflicting classifications of pathogenicity. Review status: criteria provided, conflicting classifications (1 of 4 stars). 3 submissions from 3 submitters: Uncertain significance (2); Benign (1). Last evaluated 2025-11-25.

Conditions:
Adams-Oliver syndrome 5 (AOS5). Identifiers: Orphanet 974, MedGen C4014970, MONDO:0014459, OMIM 616028.
Familial thoracic aortic aneurysm and aortic dissection (TAAD). Also called: Thoracic aortic aneurysms and dissections. Identifiers: Orphanet 91387, MedGen C4707243, MONDO:0019625.

Allele frequency attached by ClinVar (database versions not stated): gnomAD exomes 0.00001.
gnomAD v4.1: 18 of 1,545,924 alleles (0.0012%); highest among the groups gnomAD compares: African/African-American, 0.023%; no homozygotes.

Submissions (3):

Labcorp Genetics (formerly Invitae), Labcorp
Classification: Benign for Adams-Oliver syndrome 5. Last evaluated: 2025-11-25. Review status: criteria provided, single submitter. Criteria: Invitae Variant Classification Sherloc (09022015). Collection method: clinical testing. Allele origin: germline.

Ambry Genetics
Classification: Uncertain significance for Familial thoracic aortic aneurysm and aortic dissection. Last evaluated: 2024-03-18. Review status: criteria provided, single submitter. Criteria: Ambry Variant Classification Scheme 2023. Collection method: clinical testing. Allele origin: germline.
Comment: The p.P1054T variant (also known as c.3160C>A), located in coding exon 19 of the NOTCH1 gene, results from a C to A substitution at nucleotide position 3160. The proline at codon 1054 is replaced by threonine, an amino acid with highly similar properties. This amino acid position is conserved. In addition, this alteration is predicted to be tolerated by in silico analysis. Since supporting evidence is limited at this time, the clinical significance of this alteration remains unclear.

GeneDx
Classification: Uncertain significance. Last evaluated: 2021-09-20. Review status: criteria provided, single submitter. Criteria: GeneDx Variant Classification Process June 2021. Collection method: clinical testing. Allele origin: germline. Affected: yes.
Comment: Has not been previously published as pathogenic or benign to our knowledge; Not observed at significant frequency in large population cohorts (Lek et al., 2016); In silico analysis supports that this missense variant does not alter protein structure/function